The following is an entry in ClinVar:

NM_025265.4(TSEN2):c.917del (p.Phe306fs)

Gene: TSEN2 (tRNA splicing endonuclease subunit 2; plus strand). Cytogenetic location: 3p25.2.
Variant type: Deletion.
Coding change: c.917del on transcript NM_025265.4 (MANE Select); coding-DNA position 917, one base deleted (T; older notation c.917delT).
Protein change: p.Phe306fs; shifts the reading frame from phenylalanine 306.
Molecular consequence: frameshift variant. On other transcripts: non-coding transcript variant (1).
Genome position (GRCh38, 1-based): chr3:12,516,618, T deleted; the last of 5 consecutive T bases (chr3:12,516,614-12,516,618); deleting any one gives the same sequence. VCF-style (leftmost placement, unchanged base first): chr3-12516613-CT-C. GRCh37 (hg19) VCF-style: chr3-12558112-CT-C.
Other names: c.917del, p.Phe306fs (NM_001145392.2, NM_001321277.2, NM_001321278.2); c.839del, p.Phe280fs (NM_001145393.3, NM_001321279.2); c.740del, p.Phe247fs (NM_001145394.2); c.917delT (NM_025265.4); short protein forms F247fs, F280fs, F306fs.
Identifiers: ClinVar variation 3658805 (VCV003658805.3).

ClinVar aggregate classification (germline): Pathogenic. Review status: criteria provided, multiple submitters, no conflicts (2 of 4 stars). 2 submissions from 2 submitters: Pathogenic (2). Last evaluated 2025-11-25.

Conditions:
Pontoneocerebellar hypoplasia. Also called: Pontocerebellar hypoplasia; Non-syndromic pontocerebellar hypoplasia. Identifiers: Orphanet 98523, MedGen C1261175, MONDO:0020135.

Submissions (2):

Women's Health and Genetics/Laboratory Corporation of America, LabCorp
Classification: Pathogenic for Pontoneocerebellar hypoplasia. Last evaluated: 2025-11-25. Review status: criteria provided, single submitter. Criteria: LabCorp Variant Classification Summary - May 2015. Collection method: clinical testing. Allele origin: germline.
Comment: Variant summary: TSEN2 c.917delT (p.Phe306SerfsX9) results in a premature termination codon, predicted to cause a truncation of the encoded protein or absence of the protein due to nonsense mediated decay, which are commonly known mechanisms for disease. The variant was absent in 251380 control chromosomes (gnomAD). To our knowledge, no occurrence of c.917delT in individuals affected with TSEN2-related conditions and no experimental evidence demonstrating its impact on protein function have been reported. ClinVar contains an entry for this variant (Variation ID: 3658805). Based on the evidence outlined above, the variant was classified as pathogenic.

Labcorp Genetics (formerly Invitae), Labcorp
Classification: Pathogenic. Last evaluated: 2025-06-04. Review status: criteria provided, single submitter. Criteria: Invitae Variant Classification Sherloc (09022015). Collection method: clinical testing. Allele origin: germline.
Comment: This sequence change creates a premature translational stop signal (p.Phe306Serfs*9) in the TSEN2 gene. It is expected to result in an absent or disrupted protein product. Loss-of-function variants in TSEN2 are known to be pathogenic (PMID: 38438125, 20952379). This variant is not present in population databases (gnomAD no frequency). This variant has not been reported in the literature in individuals affected with TSEN2-related conditions. ClinVar contains an entry for this variant (Variation ID: 3658805). For these reasons, this variant has been classified as Pathogenic.

Literature cited by the submitters: PubMed 38438125 (cited by Labcorp Genetics (formerly Invitae), Labcorp); PubMed 20952379 (cited by Labcorp Genetics (formerly Invitae), Labcorp).